The following is an entry in ClinVar:

ClinVar aggregate classification (germline): Conflicting classifications of pathogenicity. Review status: criteria provided, conflicting classifications (1 of 4 stars). 12 submissions from 9 submitters: Uncertain significance (1); Benign (5); Likely benign (3). 3 of the submissions do not count toward it. Last evaluated 2026-01-28.

Conditions:
Retinal dystrophy. Also called: Inherited retinal dystrophy. Identifiers: Orphanet 71862, MedGen C0854723, MeSH D058499, MONDO:0019118, HP:0000556.
Retinitis pigmentosa (RP). Identifiers: Orphanet 791, MedGen C0035334, MeSH D012174, MONDO:0019200, OMIM 268000. Inheritance: Autosomal dominant, autosomal recessive and X linked inheritance.
Cone-rod dystrophy 12 (CORD12). Identifiers: Orphanet 1872, MedGen C2675210, MONDO:0012983, OMIM 612657.
Stargardt disease 4 (STGD4). Identifiers: Orphanet 827, MedGen C1863534, MONDO:0011370, OMIM 603786.
Retinal macular dystrophy type 2 (MCDR2). Also called: Bull's eye macular dystrophy. Identifiers: Orphanet 319640, MedGen C4749334, MONDO:0011957, OMIM 608051.

Allele frequency attached by ClinVar (database versions not stated): 1000 Genomes Project 0.00180; 1000 Genomes Project 30x 0.00250; gnomAD 0.00318 and 0.00322; TOPMed 0.00321; ESP Exome Variant Server 0.00337.
gnomAD v4.1: 6,663 of 1,586,792 alleles (0.42%); highest among the groups gnomAD compares: Non-Finnish European, 0.51%; 19 homozygotes.

Submissions (12):

Labcorp Genetics (formerly Invitae), Labcorp
Classification: Benign. Last evaluated: 2026-01-28. Review status: criteria provided, single submitter. Criteria: Invitae Variant Classification Sherloc (09022015). Collection method: clinical testing. Allele origin: germline.

CeGaT Center for Human Genetics Tuebingen
Classification: Likely benign. Last evaluated: 2025-05-01. Review status: criteria provided, single submitter. Criteria: CeGaT Center For Human Genetics Tuebingen Variant Classification Criteria Version 2. Collection method: clinical testing. Allele origin: germline. Affected: yes. Observed: 4 variant alleles.
Comment: PROM1: BP4, BS2

Blueprint Genetics
Classification: Likely benign. Last evaluated: 2024-11-22. Review status: criteria provided, single submitter. Criteria: ACMG Guidelines, 2015. Collection method: clinical testing. Allele origin: germline.

ARUP Laboratories, Molecular Genetics and Genomics, ARUP Laboratories
Classification: Benign. Last evaluated: 2022-10-20. Review status: criteria provided, single submitter. Criteria: ARUP Molecular Germline Variant Investigation Process 2021. Collection method: clinical testing. Allele origin: germline.

Illumina Laboratory Services, Illumina
Classification: Likely benign for Retinal macular dystrophy type 2. Last evaluated: 2018-01-13. Review status: criteria provided, single submitter. Criteria: ICSL Variant Classification Criteria 13 December 2019. Collection method: clinical testing. Allele origin: germline.
Comment: This variant was observed in the ICSL laboratory as part of a predisposition screen in an ostensibly healthy population. It had not been previously curated by ICSL or reported in the Human Gene Mutation Database (HGMD: prior to June 1st, 2018), and was therefore a candidate for classification through an automated scoring system. Utilizing variant allele frequency, disease prevalence and penetrance estimates, and inheritance mode, an automated score was calculated to assess if this variant is too frequent to cause the disease. Based on the score and internal cut-off values, a variant classified as likely benign is not then subjected to further curation. The score for this variant resulted in a classification of likely benign for this disease.

Illumina Laboratory Services, Illumina
Classification: Uncertain significance for Retinitis pigmentosa. Last evaluated: 2018-01-13. Review status: criteria provided, single submitter. Criteria: ICSL Variant Classification Criteria 13 December 2019. Collection method: clinical testing. Allele origin: germline.

Illumina Laboratory Services, Illumina
Classification: Benign for Stargardt disease 4. Last evaluated: 2018-01-13. Review status: criteria provided, single submitter. Criteria: ICSL Variant Classification Criteria 13 December 2019. Collection method: clinical testing. Allele origin: germline.
Comment: This variant was observed in the ICSL laboratory as part of a predisposition screen in an ostensibly healthy population. It had not been previously curated by ICSL or reported in the Human Gene Mutation Database (HGMD: prior to June 1st, 2018), and was therefore a candidate for classification through an automated scoring system. Utilizing variant allele frequency, disease prevalence and penetrance estimates, and inheritance mode, an automated score was calculated to assess if this variant is too frequent to cause the disease. Based on the score and internal cut-off values, a variant classified as benign is not then subjected to further curation. The score for this variant resulted in a classification of benign for this disease.

Illumina Laboratory Services, Illumina
Classification: Benign for Cone-rod dystrophy 12. Last evaluated: 2018-01-13. Review status: criteria provided, single submitter. Criteria: ICSL Variant Classification Criteria 13 December 2019. Collection method: clinical testing. Allele origin: germline.
Comment: the same text as in the submission from Illumina Laboratory Services, Illumina above.

Eurofins Ntd Llc (ga)
Classification: Benign. Last evaluated: 2014-04-25. Review status: criteria provided, single submitter. Criteria: EGL Classification Definitions 2015. Collection method: clinical testing. Allele origin: germline. Observed: 1 variant allele, 1 heterozygote.

Institute of Human Genetics, Univ. Regensburg, Univ. Regensburg
Classification: Uncertain significance for Retinal dystrophy. Last evaluated: 2013-01-01. Review status: no assertion criteria provided. Criteria: ACMG Guidelines, 2015. Collection method: clinical testing. Allele origin: germline. Affected: yes. Not counted in ClinVar's aggregate classification.

Clinical Genetics DNA and cytogenetics Diagnostics Lab, Erasmus MC, Erasmus Medical Center
Classification: Likely benign. Review status: no assertion criteria provided. Collection method: clinical testing. Allele origin: germline. Affected: yes. Study: VKGL Data-share Consensus. Not counted in ClinVar's aggregate classification.

Clinical Genetics, Academic Medical Center
Classification: Benign. Review status: no assertion criteria provided. Collection method: clinical testing. Allele origin: germline. Affected: yes. Study: VKGL Data-share Consensus. Not counted in ClinVar's aggregate classification.

NM_006017.3(PROM1):c.1497C>T (p.Ile499=)

Gene: PROM1 (prominin 1; minus strand). Cytogenetic location: 4p15.32.
Variant type: single nucleotide variant.
Coding change: c.1497C>T on transcript NM_006017.3 (MANE Select); coding-DNA position 1497, C replaced by T.
Protein change: p.Ile499=; no amino-acid change (isoleucine 499 retained).
Molecular consequence: synonymous variant.
Genome position (GRCh38, 1-based): chr4:16,000,577, G>A on the plus strand (C>T on the coding strand, the complement: PROM1 is on the minus strand). VCF-style: chr4-16000577-G-A. GRCh37 (hg19) VCF-style: chr4-16002200-G-A.
Other names: c.1470C>T, p.Ile490= (NM_001145847.2, NM_001145848.2, NM_001145851.2 and 4 more transcripts); c.1497C>T, p.Ile499= (NM_001145849.2, NM_001145850.2).
Identifiers: ClinVar variation 167535 (VCV000167535.59), dbSNP rs113895168, ClinGen allele CA180342.